The following is an entry in ClinVar:

ClinVar aggregate classification (germline): Pathogenic. Review status: reviewed by expert panel (3 of 4 stars). 14 submissions from 14 submitters: Pathogenic (1). 13 of the submissions do not count toward it. Last evaluated 2016-04-03.

Conditions:
Breast and/or ovarian cancer. Identifiers: MedGen CN221562.
Hereditary cancer-predisposing syndrome. Also called: Hereditary neoplastic syndrome; Hereditary Cancer Syndrome; Neoplastic Syndromes, Hereditary; Tumor predisposition. Identifiers: Orphanet 140162, MedGen C0027672, MeSH D009386, MONDO:0015356.
Hereditary breast ovarian cancer syndrome. Also called: Breast and ovarian cancer; Hereditary breast and ovarian cancer syndrome; BRCA1- and BRCA2-Associated Hereditary Breast and Ovarian Cancer; Hereditary breast and ovarian cancer syndrome (HBOC); Hereditary breast and/or ovarian cancer syndrome; Hereditary breast and ovarian cancer. Identifiers: Orphanet 145, MedGen C0677776, MeSH D061325, MONDO:0003582. Disease mechanism: loss of function.
Breast-ovarian cancer, familial, susceptibility to, 2 (BROVCA2). Also called: BRCA2 Hereditary Breast and Ovarian Cancer. Identifiers: Orphanet 145, MedGen C2675520, MONDO:0012933, OMIM 612555. Disease mechanism: loss of function.
Familial cancer of breast. Also called: hereditary breast carcinoma; Hereditary breast cancer; BREAST CANCER, FAMILIAL. Identifiers: Orphanet 227535, MedGen C0346153, MONDO:0016419, OMIM 114480. Disease mechanism: loss of function.

Allele frequency attached by ClinVar (database versions not stated): gnomAD exomes below 0.00001.
gnomAD v4.1: 1 of 1,552,150 alleles (0.000064%); highest among the groups gnomAD compares: Non-Finnish European, 0.000089%; no homozygotes.

Submissions 1 to 6 of 14:

Evidence-based Network for the Interpretation of Germline Mutant Alleles (ENIGMA)
Classification: Pathogenic for Breast-ovarian cancer, familial, susceptibility to, 2. Last evaluated: 2016-04-03. Review status: reviewed by expert panel. Criteria: ENIGMA BRCA1/2 Classification Criteria (2015). Collection method: curation. Allele origin: germline.
Comment: Allele-specific assay on patient-derived mRNA demonstrated that the variant allele produces only predicted non-functional transcripts. Variant allele produces r.7008_7435del, r.7008_7017del, and r.7008_7253del transcripts (encoding predicted non-functional proteins).

GeneDx
Classification: Pathogenic. Last evaluated: 2026-10-14. Review status: criteria provided, single submitter. Criteria: GeneDx Variant Classification Process June 2021. Collection method: clinical testing. Allele origin: germline. Not counted in ClinVar's aggregate classification.
Comment: Canonical splice site variant demonstrated to result in aberrant splicing, producing multiple out-of-frame transcripts in a gene for which loss-of-function is a known mechanism of disease (PMID: 22505045, 23451180, 19423647, 19179552, 31191615); Not observed at significant frequency in large population cohorts (gnomAD); Truncating variants in this gene are considered pathogenic by a well-established clinical consortium and/or database; Also known as 7236-2A>T; This variant is associated with the following publications: (PMID: 36493725, 36292577, 34296289, 30014164, 19179552, 19423647, 21934105, 22962691, 22505045, 27125725, 29446198, 31191615, 32398771, 32438681, 31336956, 31512090, 31209999, 32854451, 33287145, 33810291, 32338768, 25525159, 23451180, 33804961, 32853339, 30613976, 35411189, 41349144, 38219492, 41335237, 41547905)

Labcorp Genetics (formerly Invitae), Labcorp
Classification: Pathogenic for Hereditary breast ovarian cancer syndrome. Last evaluated: 2025-09-27. Review status: criteria provided, single submitter. Criteria: Invitae Variant Classification Sherloc (09022015). Collection method: clinical testing. Allele origin: germline. Not counted in ClinVar's aggregate classification.
Comment: This sequence change affects an acceptor splice site in intron 13 of the BRCA2 gene. RNA analysis indicates that disruption of this splice site induces altered splicing and may result in an absent or altered protein product. This variant is not present in population databases (gnomAD no frequency). Disruption of this splice site has been observed in individual(s) with a personal or family history of BRCA2-related conditions. In some cases, this variant occurred on the same chromosome as the c.631G>A (p.Val211Ile) variant (PMID: 19179552, 19423647, 22962691, 25980754, 29446198, 30014164). This variant is also known as IVS13-2A>T. ClinVar contains an entry for this variant (Variation ID: 52246). Studies have shown that disruption of this splice site alters mRNA splicing and is expected to lead to the loss of protein expression (PMID: 19179552, 22505045, 23451180, 31191615; internal data). For these reasons, this variant has been classified as Pathogenic.

Color Diagnostics, LLC DBA Color Health
Classification: Pathogenic for Hereditary cancer-predisposing syndrome. Last evaluated: 2025-03-10. Review status: criteria provided, single submitter. Criteria: ACMG Guidelines, 2015. Collection method: clinical testing. Allele origin: germline. Not counted in ClinVar's aggregate classification.
Comment: This variant is predicted to abolish the intron 13 splice acceptor site of the BRCA2 gene. RNA studies have reported that this variant causes splicing defects expected to produce non-function protein products (PMID: 19179552, 19423647, 23451180, 31191615; ClinVar assession: SCV000282248.1). This variant has been reported in an individual affected with breast cancer and ductal carcinoma in situ (PMID: 30014164, 34296289). This variant has not been identified in the general population by the Genome Aggregation Database (gnomAD). Based on available evidence, this variant is classified as Pathogenic. This variant also has been reported to co-occur with a pathogenic splice variant c.631G>A in the BRCA2 gene in at least seven unrelated European individuals affected with breast/ovarian cancer (PMID: 19179552, 19423647, 23451180, 27125725, 31336956) and in an individual affected with pancreatic adenocarcinoma (PMID: 21934105). In six of the individuals affected with breast/ovarian cancer, these variants were reported to occur on the same chromosome (in cis phase) determined in part by retro-transcription analysis or segregation analysis in family studies (PMID: 19179552, 19423647, 22962691, 31336956). For several individuals who carried both variants (PMID: 21934105; Color internal data), the phase of the two variants has not been determined. These two variants have not been reported in trans in the literature. Therefore, although this test cannot distinguish if c.631G>A and c.7008-2A>T variants occur on the same chromosome (in cis) or on opposite chromosomes (in trans), it is likely that these variants are in cis when found together in an individual.

Ambry Genetics
Classification: Pathogenic for Hereditary cancer-predisposing syndrome. Last evaluated: 2024-10-27. Review status: criteria provided, single submitter. Criteria: Ambry Variant Classification Scheme 2023. Collection method: clinical testing. Allele origin: germline. Not counted in ClinVar's aggregate classification.
Comment: ONLY INCLUDE IF PT HAS BOTH c.7008-2A>T and c.631G>A (p.V211I) BRCA2 VARIANTS The c.631G>A pathogenic mutation (also known as p.V211I), located in coding exon 6 of the BRCA2 gene, results from a G to A substitution at nucleotide position 631. The amino acid change results in valine to isoleucine at codon 211, an amino acid with highly similar properties; however, this change occurs in the last base pair of coding exon 6, which makes it likely to have some effect on normal mRNA splicing. The c.7008-2A>T intronic pathogenic mutation results from an A to T substitution two nucleotides before coding exon 13 in the BRCA2 gene. The c.631G>A and c.7008-2A>T alterations have been identified in cis in multiple individuals and families with HBOC (Gaildrat PJ et al. Med. Genet. 2012 Oct;49(10):609-17; Pensabene M et al. Ann. Oncol. 2009 May;20(5):874-8; Colombo M et al. Ann. Oncol. 2009 Jun;20(6):1143-4). These alterations have also been identified in cis in one individual with pancreatic adenocarcinoma (Lowery MA et al. Oncologist 2011;16(10):1397-402). Functional studies have demonstrated that the c.631G>A alteration leads to the skipping of coding exon 6, leading to a frameshift and alternate stop in coding exon 8 (Ambry internal data; Pensabene M et al. Ann. Oncol. 2009 May;20(5):874-8; Colombo M et al. Ann. Oncol. 2009 Jun;20(6):1143-4). Functional studies have also demonstrated that the c.7008-2A>T alteration leads to multiple frameshifting aberrant transcripts which may be incomplete (Ambry internal data; Pensabene M et al. Ann. Oncol. 2009 May;20(5):874-8; Colombo M et al. Ann. Oncol. 2009 Jun;20(6):1143-4; Houdayer C et al. Hum. Mutat. 2012 Aug;33(8):1228-38; Colombo M et al. PLoS ONE 2013;8(2):e57173). Of note, c.631G>A and c.7008-2A>T are also designated as 859G>A and IVS13-2A>T, respectively, in published literature. Based on the available evidence, c.631G>A and c.7008-2A>T are classified as a pathogenic haplotype.

Women's Health and Genetics/Laboratory Corporation of America, LabCorp
Classification: Pathogenic for Hereditary breast ovarian cancer syndrome. Last evaluated: 2023-08-17. Review status: criteria provided, single submitter. Criteria: LabCorp Variant Classification Summary - May 2015. Collection method: clinical testing. Allele origin: germline. Not counted in ClinVar's aggregate classification.
Comment: Variant summary: BRCA2 c.7008-2A>T is located in a canonical splice-site and is predicted to affect mRNA splicing resulting in a significantly altered protein due to either exon skipping, shortening, or inclusion of intronic material. Several computational tools predict a significant impact on normal splicing: Four out of four predict the variant abolishes a 3' canonical acceptor site. Multiple studies report experimental evidence that this variant affects mRNA splicing (e..g, Pensabene_2009, Colombo_2009, Houdayer_2012). The variant was absent in 250362 control chromosomes. c.7008-2A>T has been reported in the literature in multiple individuals affected with Hereditary Breast And Ovarian Cancer Syndrome (e.g., Azzollini_2016, Colombo_2009, Diez_2009, Gaildrat_2012, Pensabene_2009, Saied_2021). These data indicate that the variant is very likely to be associated with disease. The variant has been reported in several studies to co-occur with another splice mutation c.631G>A, likely on the same allele. The following publications have been ascertained in the context of this evaluation (PMID: 27062684, 23451180, 19423647, 19542536, 22962691, 22505045, 19179552, 34296289). Nine submitters have cited clinical-significance assessments for this variant to ClinVar after 2014. All submitters classified the variant as pathogenic or likely pathogenic. Based on the evidence outlined above, the variant was classified as pathogenic.

NM_000059.4(BRCA2):c.7008-2A>T

Gene: BRCA2 (BRCA2 DNA repair associated; plus strand). Cytogenetic location: 13q13.1.
Variant type: single nucleotide variant.
Coding change: c.7008-2A>T on transcript NM_000059.4 (MANE Select); the canonical splice acceptor site of the intron before coding-DNA position 7008, A replaced by T.
Molecular consequence: splice acceptor variant.
Genome position (GRCh38, 1-based): chr13:32,354,859, A>T. VCF-style: chr13-32354859-A-T. GRCh37 (hg19) VCF-style: chr13-32928996-A-T.
Other names: IVS13-2A>T; c.7008-2A>T (NM_001406720.1); c.6912-2A>T (NM_001406719.1); c.2076-2A>T (NM_001406721.1); c.591-2A>T (NM_001406722.1).
Identifiers: ClinVar variation 52246 (VCV000052246.35), dbSNP rs81002823, ClinGen allele CA024737.